The following is an entry in ClinVar:

ClinVar aggregate classification (germline): Uncertain significance. Review status: criteria provided, multiple submitters, no conflicts (2 of 4 stars). 2 submissions from 2 submitters: Uncertain significance (2). Last evaluated 2022-08-16.

Allele frequency attached by ClinVar (database versions not stated): gnomAD exomes below 0.00001; gnomAD 0.00001; TOPMed 0.00001.
gnomAD v4.1: 3 of 1,610,310 alleles (0.00019%); highest among the groups gnomAD compares: African/African-American, 0.004%; no homozygotes.

Submissions (2):

Labcorp Genetics (formerly Invitae), Labcorp
Classification: Uncertain significance. Last evaluated: 2022-08-16. Review status: criteria provided, single submitter. Criteria: Invitae Variant Classification Sherloc (09022015). Collection method: clinical testing. Allele origin: germline.
Comment: In summary, the available evidence is currently insufficient to determine the role of this variant in disease. Therefore, it has been classified as a Variant of Uncertain Significance. Advanced modeling of protein sequence and biophysical properties (such as structural, functional, and spatial information, amino acid conservation, physicochemical variation, residue mobility, and thermodynamic stability) performed at Invitae indicates that this missense variant is not expected to disrupt CDHR1 protein function. ClinVar contains an entry for this variant (Variation ID: 1355852). This variant has not been reported in the literature in individuals affected with CDHR1-related conditions. This variant is present in population databases (no rsID available, gnomAD 0.007%). This sequence change replaces aspartic acid, which is acidic and polar, with glycine, which is neutral and non-polar, at codon 184 of the CDHR1 protein (p.Asp184Gly).

Blueprint Genetics
Classification: Uncertain significance. Last evaluated: 2021-06-11. Review status: criteria provided, single submitter. Criteria: ACMG Guidelines, 2015. Collection method: clinical testing. Allele origin: germline.

NM_033100.4(CDHR1):c.551A>G (p.Asp184Gly)

Gene: CDHR1 (cadherin related family member 1; plus strand). Cytogenetic location: 10q23.1.
Variant type: single nucleotide variant.
Coding change: c.551A>G on transcript NM_033100.4 (MANE Select); coding-DNA position 551, A replaced by G.
Protein change: p.Asp184Gly; replaces aspartic acid 184 with glycine.
Molecular consequence: missense variant.
Genome position (GRCh38, 1-based): chr10:84,201,832, A>G. VCF-style: chr10-84201832-A-G. GRCh37 (hg19) VCF-style: chr10-85961588-A-G.
Other names: c.551A>G, p.Asp184Gly (NM_001171971.3); short protein forms D184G.
Identifiers: ClinVar variation 1355852 (VCV001355852.7), dbSNP rs1352579543, ClinGen allele CA377372301.
Genomic context (GRCh38, chr10:84,201,832, plus strand): 5'-CTTGCTGAGGTCCAGCTGCCCCCTAATTCTTATAGAACCTGCACTCCCCATTTGCCGTGG[A>G]CCGCCACAGCGGTGTGCTGCGCCTCCAGGCTGGGGCCACTCTGGACTACGAGAGGTCCCG-3'
Protein context (NP_149091.1, residues 174-194): LQNLHSPFAV[Asp184Gly]RHSGVLRLQA